The following is an entry in ClinVar:

NM_000179.3(MSH6):c.3587_3627dup (p.Val1210fs)

Gene: MSH6 (mutS homolog 6; plus strand). Cytogenetic location: 2p16.3.
Variant type: Duplication.
Coding change: c.3587_3627dup on transcript NM_000179.3 (MANE Select); coding-DNA positions 3587 to 3627, 41 bases duplicated.
Protein change: p.Val1210fs; shifts the reading frame from valine 1210.
Molecular consequence: frameshift variant. On other transcripts: non-coding transcript variant (5).
Genome position (GRCh38, 1-based): chr2:47,805,648-47,805,688, 41 bases duplicated; duplicating any 41 consecutive bases within chr2:47,805,646-47,805,688 gives the same sequence; the c. name uses the placement nearest the transcript's 3' end. GRCh37 (hg19): chr2:48,032,787-48,032,827.
Other names: c.3197_3237dup, p.Val1080fs (NM_001281492.2); c.2681_2721dup, p.Val908fs (NM_001281493.2, NM_001281494.2, NM_001406811.1 and 6 more transcripts); c.3683_3723dup, p.Val1242fs (NM_001406795.1, NM_001406802.1); c.3587_3627dup, p.Val1210fs (NM_001406796.1, NM_001406800.1, NM_001406808.1 and 1 more transcripts); c.3290_3330dup, p.Val1111fs (NM_001406797.1, NM_001406801.1, NM_001406805.1 and 10 more transcripts); c.3413_3453dup, p.Val1152fs (NM_001406798.1); c.3062_3102dup, p.Val1035fs (NM_001406799.1, NM_001406806.1, NM_001406807.1); c.2723_2763dup, p.Val922fs (NM_001406803.1); and 7 more; short protein forms V1035fs, V1080fs, V1111fs, V1152fs, V1154fs, V1184fs, V1210fs, V1212fs.
Identifiers: ClinVar variation 2673749 (VCV002673749.1), dbSNP rs2530822790, ClinGen allele CA2695200578.

ClinVar aggregate classification (germline): Pathogenic (1 of 4 stars; one submission).

Conditions:
Lynch syndrome 5 (LYNCH5). Also called: Colorectal cancer, hereditary nonpolyposis, type 5; Hereditary non-polyposis colorectal cancer, type 5. Identifiers: Orphanet 144, MedGen C1833477, MONDO:0013710, OMIM 614350. Disease mechanism: loss of function.

Submission:

Myriad Genetics, Inc.
Classification: Pathogenic for Lynch syndrome 5. Last evaluated: 2023-08-24. Review status: criteria provided, single submitter. Criteria: Myriad Autosomal Dominant, Autosomal Recessive and X-Linked Classification Criteria (2023). Collection method: clinical testing. Allele origin: unknown.
Comment: This variant is considered pathogenic. This variant creates a frameshift predicted to result in premature protein truncation.